The following is an entry in ClinVar:

NM_201384.3(PLEC):c.1191C>T (p.Ile397=)

Gene: PLEC (plectin; minus strand). Cytogenetic location: 8q24.3.
Variant type: single nucleotide variant.
Coding change: c.1191C>T on transcript NM_201384.3 (MANE Select); coding-DNA position 1191, C replaced by T.
Protein change: p.Ile397=; no amino-acid change (isoleucine 397 retained).
Molecular consequence: synonymous variant.
Genome position (GRCh38, 1-based): chr8:143,934,070, G>A on the plus strand (C>T on the coding strand, the complement: PLEC is on the minus strand). VCF-style: chr8-143934070-G-A. GRCh37 (hg19) VCF-style: chr8-145008238-G-A.
Other names: c.1272C>T, p.Ile424= (NM_000445.5); c.1149C>T, p.Ile383= (NM_201378.4); c.1125C>T, p.Ile375= (NM_201379.3); c.1602C>T, p.Ile534= (NM_201380.4); c.1095C>T, p.Ile365= (NM_201381.3); c.1191C>T, p.Ile397= (NM_201382.4); c.1203C>T, p.Ile401= (NM_201383.3).
Identifiers: ClinVar variation 705423 (VCV000705423.8), dbSNP rs781888321, ClinGen allele CA4928107.

ClinVar aggregate classification (germline): Likely benign. Review status: criteria provided, multiple submitters, no conflicts (2 of 4 stars). 2 submissions from 2 submitters: Likely benign (2). Last evaluated 2025-12-19.

Conditions:
PLEC-related disorder. Also called: PLEC-related disorders; PLEC-related condition.
Epidermolysis bullosa simplex with nail dystrophy (EBS5D). Identifiers: MedGen C4225309, MONDO:0014661, OMIM 616487.
Epidermolysis bullosa simplex 5B, with muscular dystrophy (EBS5B). Also called: Epidermolysis bullosa simplex with muscular dystrophy; EPIDERMOLYSIS BULLOSA SIMPLEX AND LIMB-GIRDLE MUSCULAR DYSTROPHY. Identifiers: Orphanet 257, MedGen C2931072, MONDO:0009181, OMIM 226670.
Autosomal recessive limb-girdle muscular dystrophy type 2Q (LGMDR17). Also called: MUSCULAR DYSTROPHY, LIMB-GIRDLE, AUTOSOMAL RECESSIVE 17. Identifiers: Orphanet 254361, MedGen C3150989, MONDO:0013390, OMIM 613723.
Epidermolysis bullosa simplex 5C, with pyloric atresia (EBS5C). Also called: PLEC-Related Epidermolysis Bullosa with Pyloric Atresia; Epidermolysis bullosa simplex with pyloric atresia; PLEC1-Related Epidermolysis Bullosa with Pyloric Atresia. Identifiers: Orphanet 158684, MedGen C2677349, MONDO:0012807, OMIM 612138.
Epidermolysis bullosa simplex, Ogna type (EBS5A). Also called: Pidermolysis bullosa simplex 5A, Ogna type; EPIDERMOLYSIS BULLOSA SIMPLEX 5A, OGNA TYPE. Identifiers: Orphanet 79401, MedGen C0432317, MONDO:0007555, OMIM 131950.

Allele frequency attached by ClinVar (database versions not stated): TOPMed 0.00005; gnomAD 0.00010.
gnomAD v4.1: 143 of 1,611,636 alleles (0.0089%); highest among the groups gnomAD compares: Non-Finnish European, 0.011%; no homozygotes.

Submissions (2):

PreventionGenetics, part of Exact Sciences
Classification: Likely benign for PLEC-related condition. Last evaluated: 2025-12-19. Review status: criteria provided, single submitter. Criteria: ACMG Guidelines, 2015. Collection method: clinical testing. Allele origin: germline.
Comment: This variant is classified as likely benign based on ACMG/AMP sequence variant interpretation guidelines (Richards et al. 2015 PMID: 25741868, with internal and published modifications).

Labcorp Genetics (formerly Invitae), Labcorp
Classification: Likely benign for Autosomal recessive limb-girdle muscular dystrophy type 2Q; Epidermolysis bullosa simplex, Ogna type; Epidermolysis bullosa simplex with nail dystrophy; Epidermolysis bullosa simplex 5C, with pyloric atresia; Epidermolysis bullosa simplex 5B, with muscular dystrophy. Last evaluated: 2025-07-23. Review status: criteria provided, single submitter. Criteria: Invitae Variant Classification Sherloc (09022015). Collection method: clinical testing. Allele origin: germline.